The following is an entry in ClinVar:

NM_000245.4(MET):c.467C>T (p.Ser156Leu)

Gene: MET (MET proto-oncogene, receptor tyrosine kinase; plus strand). Cytogenetic location: 7q31.2.
Variant type: single nucleotide variant.
Coding change: c.467C>T on transcript NM_000245.4 (MANE Select); coding-DNA position 467, C replaced by T.
Protein change: p.Ser156Leu; replaces serine 156 with leucine.
Molecular consequence: missense variant. On other transcripts: intron variant (1).
Genome position (GRCh38, 1-based): chr7:116,699,551, C>T. VCF-style: chr7-116699551-C-T. GRCh37 (hg19) VCF-style: chr7-116339605-C-T.
Other names: c.467C>T, p.Ser156Leu (NM_001324401.3, NM_001127500.3); c.-91+26974C>T (NM_001324402.2); c.467C>T (NM_001127500.2); short protein forms S156L.
Identifiers: ClinVar variation 135971 (VCV000135971.42), dbSNP rs56311081, ClinGen allele CA332680.
Genomic context (GRCh38, chr7:116,699,551, plus strand): 5'-TCAACAGAGGGACCTGCCAGCGACATGTCTTTCCCCACAATCATACTGCTGACATACAGT[C>T]GGAGGTTCACTGCATATTCTCCCCACAGATAGAAGAGCCCAGCCAGTGTCCTGACTGTGT-3'
Protein context (NP_000236.2, residues 146-166): FPHNHTADIQ[Ser156Leu]EVHCIFSPQI

ClinVar aggregate classification (germline): Conflicting classifications of pathogenicity. Review status: criteria provided, conflicting classifications (1 of 4 stars). 9 submissions from 9 submitters: Uncertain significance (2); Benign (1); Likely benign (5). 1 of the submissions does not count toward it. Last evaluated 2026-02-03.

Conditions:
Renal cell carcinoma. Identifiers: Orphanet 217071, MedGen C0007134, MeSH D002292, MONDO:0005086, HP:0005584.
MET-related disorder. Also called: MET-related condition.
Hereditary cancer-predisposing syndrome. Also called: Tumor predisposition; Hereditary neoplastic syndrome; Neoplastic Syndromes, Hereditary; Hereditary Cancer Syndrome. Identifiers: Orphanet 140162, MedGen C0027672, MeSH D009386, MONDO:0015356.
Hereditary cancer. Identifiers: MedGen C1333600.
Papillary renal cell carcinoma type 1 (RCCP1). Also called: RENAL CELL CARCINOMA, PAPILLARY, 1, SOMATIC; Renal adenocarcinoma; Renal cell carcinoma 1; Renal cell carcinoma, somatic. Identifiers: Orphanet 47044, MedGen C1336839, OMIM 605074, HP:0011797.

Allele frequency attached by ClinVar (database versions not stated): 1000 Genomes Project 0.00020; ExAC 0.00020; gnomAD exomes 0.00022; 1000 Genomes Project 30x 0.00031; ESP Exome Variant Server 0.00056; gnomAD 0.00061; TOPMed 0.00061.
gnomAD v4.1: 369 of 1,613,974 alleles (0.023%); highest among the groups gnomAD compares: African/African-American, 0.15%; no homozygotes.

Submissions (9):

Labcorp Genetics (formerly Invitae), Labcorp
Classification: Likely benign for Renal cell carcinoma. Last evaluated: 2026-02-03. Review status: criteria provided, single submitter. Criteria: Invitae Variant Classification Sherloc (09022015). Collection method: clinical testing. Allele origin: germline.

Quest Diagnostics Nichols Institute San Juan Capistrano
Classification: Likely benign. Last evaluated: 2025-10-08. Review status: criteria provided, single submitter. Criteria: Quest Diagnostics criteria. Collection method: clinical testing. Allele origin: unknown.

GeneDx
Classification: Uncertain significance. Last evaluated: 2025-08-19. Review status: criteria provided, single submitter. Criteria: GeneDx Variant Classification Process June 2021. Collection method: clinical testing. Allele origin: germline. Affected: yes.
Comment: In silico analysis supports that this missense variant has a deleterious effect on protein structure/function; Observed in individuals with breast cancer in published literature (PMID: 35264596); This variant is associated with the following publications: (PMID: 29084058, 34513100, 29212164, 36431263, 35264596, 37835473)

Center for Genomic Medicine, Rigshospitalet, Copenhagen University Hospital
Classification: Uncertain significance. Last evaluated: 2025-03-04. Review status: criteria provided, single submitter. Criteria: ACMG Guidelines, 2015. Collection method: clinical testing. Allele origin: germline.

Mendelics
Classification: Likely benign for Hereditary cancer. Last evaluated: 2024-01-23. Review status: criteria provided, single submitter. Criteria: ACMG Guidelines, 2015. Collection method: clinical testing. Allele origin: unknown.

Sema4
Classification: Likely benign for Hereditary cancer-predisposing syndrome. Last evaluated: 2021-03-18. Review status: criteria provided, single submitter. Criteria: Sema4 Curation Guidelines. Collection method: curation. Allele origin: germline.

Ambry Genetics
Classification: Likely benign for Hereditary cancer-predisposing syndrome. Last evaluated: 2018-11-21. Review status: criteria provided, single submitter. Criteria: Ambry Variant Classification Scheme 2023. Collection method: clinical testing. Allele origin: germline.

Illumina Laboratory Services, Illumina
Classification: Benign for Papillary renal cell carcinoma type 1. Last evaluated: 2018-01-13. Review status: criteria provided, single submitter. Criteria: ICSL Variant Classification Criteria 13 December 2019. Collection method: clinical testing. Allele origin: germline.
Comment: This variant was observed in the ICSL laboratory as part of a predisposition screen in an ostensibly healthy population. It had not been previously curated by ICSL or reported in the Human Gene Mutation Database (HGMD: prior to June 1st, 2018), and was therefore a candidate for classification through an automated scoring system. Utilizing variant allele frequency, disease prevalence and penetrance estimates, and inheritance mode, an automated score was calculated to assess if this variant is too frequent to cause the disease. Based on the score and internal cut-off values, a variant classified as benign is not then subjected to further curation. The score for this variant resulted in a classification of benign for this disease.

PreventionGenetics, part of Exact Sciences
Classification: Likely benign for MET-related condition. Last evaluated: 2020-09-21. Review status: no assertion criteria provided. Collection method: clinical testing. Allele origin: germline. Not counted in ClinVar's aggregate classification.
Comment: This variant is classified as likely benign based on ACMG/AMP sequence variant interpretation guidelines (Richards et al. 2015 PMID: 25741868, with internal and published modifications).

Literature cited by the submitters: PubMed 29084058 (cited by Sema4).